The following is an entry in ClinVar:

ClinVar aggregate classification (germline): Uncertain significance (1 of 4 stars; one submission).

Conditions:
Autosomal dominant hypocalcemia 1 (HYPOC1). Also called: HYPOCALCEMIA, FAMILIAL. Identifiers: MedGen C3715128, MONDO:0011013, OMIM 601198.
Familial hypocalciuric hypercalcemia (FHH). Also called: Familial benign hypercalcemia. Identifiers: Orphanet 405, MedGen C1809471, MONDO:0018458.

Submission:

Labcorp Genetics (formerly Invitae), Labcorp
Classification: Uncertain significance for Familial hypocalciuric hypercalcemia; Autosomal dominant hypocalcemia 1. Last evaluated: 2023-12-29. Review status: criteria provided, single submitter. Criteria: Invitae Variant Classification Sherloc (09022015). Collection method: clinical testing. Allele origin: germline.
Comment: This sequence change replaces alanine, which is neutral and non-polar, with serine, which is neutral and polar, at codon 884 of the CASR protein (p.Ala884Ser). This variant is not present in population databases (gnomAD no frequency). This variant has not been reported in the literature in individuals affected with CASR-related conditions. An algorithm developed to predict the effect of missense changes on protein structure and function (PolyPhen-2) suggests that this variant is likely to be tolerated. In summary, the available evidence is currently insufficient to determine the role of this variant in disease. Therefore, it has been classified as a Variant of Uncertain Significance.

NM_000388.4(CASR):c.2650G>T (p.Ala884Ser)

Gene: CASR (calcium sensing receptor; plus strand). Cytogenetic location: 3q21.1.
Variant type: single nucleotide variant.
Coding change: c.2650G>T on transcript NM_000388.4 (MANE Select); coding-DNA position 2650, G replaced by T.
Protein change: p.Ala884Ser; replaces alanine 884 with serine.
Molecular consequence: missense variant.
Genome position (GRCh38, 1-based): chr3:122,284,604, G>T. VCF-style: chr3-122284604-G-T. GRCh37 (hg19) VCF-style: chr3-122003451-G-T.
Other names: c.2680G>T, p.Ala894Ser (NM_001178065.2); short protein forms A884S, A894S.
Identifiers: ClinVar variation 2921687 (VCV002921687.3), dbSNP rs2473281169, ClinGen allele CA354160490.